The following is an entry in ClinVar:

ClinVar aggregate classification (germline): Uncertain significance. Review status: criteria provided, multiple submitters, no conflicts (2 of 4 stars). 2 submissions from 2 submitters: Uncertain significance (2). Last evaluated 2025-03-25.

Conditions:
Inborn genetic diseases. Identifiers: MedGen C0950123, MeSH D030342.

gnomAD v4.1: 2 of 1,613,812 alleles (0.00012%); highest among the groups gnomAD compares: Non-Finnish European, 0.000085%; no homozygotes.

Submissions (2):

Ambry Genetics
Classification: Uncertain significance for Inborn genetic diseases. Last evaluated: 2025-03-25. Review status: criteria provided, single submitter. Criteria: Ambry Variant Classification Scheme 2023. Collection method: clinical testing. Allele origin: germline.

Mayo Clinic Laboratories, Mayo Clinic
Classification: Uncertain significance. Last evaluated: 2024-01-04. Review status: criteria provided, single submitter. Criteria: ACMG Guidelines, 2015. Collection method: clinical testing. Allele origin: germline. Observed: 1 variant allele.
Comment: BP4, PM2_moderate

NM_014855.3(AP5Z1):c.131C>G (p.Ser44Cys)

Gene: AP5Z1 (adaptor related protein complex 5 subunit zeta 1; plus strand). Cytogenetic location: 7p22.1.
Variant type: single nucleotide variant.
Coding change: c.131C>G on transcript NM_014855.3 (MANE Select); coding-DNA position 131, C replaced by G.
Protein change: p.Ser44Cys; replaces serine 44 with cysteine.
Molecular consequence: missense variant. On other transcripts: 5 prime UTR variant (1), non-coding transcript variant (1).
Genome position (GRCh38, 1-based): chr7:4,781,264, C>G. VCF-style: chr7-4781264-C-G. GRCh37 (hg19) VCF-style: chr7-4820895-C-G.
Other names: p.Ser44Cys; c.-151C>G (NM_001364858.1); c.131C>G (NM_014855.2); short protein forms S44C.
Identifiers: ClinVar variation 3379735 (VCV003379735.2).
Genomic context (GRCh38, chr7:4,781,264, plus strand): 5'-TCTGTTCCCGGATCTGTAAACTGCTGCAGGCGGAGGACTTGGGGCCGGACACCCTCGACT[C>G]CCTGCAGAGGCTCTTCCTCATCATCTCAGCCACGAAGTACAGCCGGAGGTGAGTGTGGCG-3'
Protein context (NP_055670.1, residues 34-54): AEDLGPDTLD[Ser44Cys]LQRLFLIISA